The following is an entry in ClinVar:

NM_030665.4(RAI1):c.4996C>T (p.Leu1666Phe)

Gene: RAI1 (retinoic acid induced 1; plus strand). Cytogenetic location: 17p11.2.
Variant type: single nucleotide variant.
Coding change: c.4996C>T on transcript NM_030665.4 (MANE Select); coding-DNA position 4996, C replaced by T.
Protein change: p.Leu1666Phe; replaces leucine 1666 with phenylalanine.
Molecular consequence: missense variant.
Genome position (GRCh38, 1-based): chr17:17,797,944, C>T. VCF-style: chr17-17797944-C-T. GRCh37 (hg19) VCF-style: chr17-17701258-C-T.
Other names: c.4996C>T (NM_030665.3); short protein forms L1666F.
Identifiers: ClinVar variation 2201157 (VCV002201157.5), dbSNP rs150900749, ClinGen allele CA398558106.

ClinVar aggregate classification (germline): Uncertain significance. Review status: criteria provided, multiple submitters, no conflicts (2 of 4 stars). 2 submissions from 2 submitters: Uncertain significance (2). Last evaluated 2025-11-17.

Conditions:
RAI1-related disorder. Also called: RAI1-related condition.

gnomAD v4.1: 2 of 1,614,076 alleles (0.00012%); no homozygotes.

Submissions (2):

PreventionGenetics, part of Exact Sciences
Classification: Uncertain significance for RAI1-related condition. Last evaluated: 2025-11-17. Review status: criteria provided, single submitter. Criteria: ACMG Guidelines, 2015. Collection method: clinical testing. Allele origin: germline.
Comment: The RAI1 c.4996C>T variant is predicted to result in the amino acid substitution p.Leu1666Phe. To our knowledge, this variant has not been reported in the literature. This variant is reported in 0.0% of alleles in individuals of African descent in gnomAD. At this time, the clinical significance of this variant is uncertain due to the absence of conclusive functional and genetic evidence.

Labcorp Genetics (formerly Invitae), Labcorp
Classification: Uncertain significance. Last evaluated: 2024-01-17. Review status: criteria provided, single submitter. Criteria: Invitae Variant Classification Sherloc (09022015). Collection method: clinical testing. Allele origin: germline.
Comment: This sequence change replaces leucine, which is neutral and non-polar, with phenylalanine, which is neutral and non-polar, at codon 1666 of the RAI1 protein (p.Leu1666Phe). This variant is not present in population databases (gnomAD no frequency). This variant has not been reported in the literature in individuals affected with RAI1-related conditions. ClinVar contains an entry for this variant (Variation ID: 2201157). Advanced modeling of protein sequence and biophysical properties (such as structural, functional, and spatial information, amino acid conservation, physicochemical variation, residue mobility, and thermodynamic stability) performed at Invitae indicates that this missense variant is not expected to disrupt RAI1 protein function with a negative predictive value of 80%. In summary, the available evidence is currently insufficient to determine the role of this variant in disease. Therefore, it has been classified as a Variant of Uncertain Significance.